The following is an entry in ClinVar:

ClinVar aggregate classification (germline): Uncertain significance (1 of 4 stars; one submission).

Conditions:
Hyperphosphatasia with impaired intellectual development syndrome 2. Also called: Hyperphosphatasia with intellectual disability syndrome 2; GLYCOSYLPHOSPHATIDYLINOSITOL BIOSYNTHESIS DEFECT 6. Identifiers: Orphanet 247262, MedGen C3553637, MONDO:0013882, OMIM 614749.

Submission:

Labcorp Genetics (formerly Invitae), Labcorp
Classification: Uncertain significance for Hyperphosphatasia with impaired intellectual development syndrome 2. Last evaluated: 2022-01-14. Review status: criteria provided, single submitter. Criteria: Invitae Variant Classification Sherloc (09022015). Collection method: clinical testing. Allele origin: germline.
Comment: This sequence change replaces arginine, which is basic and polar, with leucine, which is neutral and non-polar, at codon 376 of the PIGO protein (p.Arg376Leu). This variant is not present in population databases (gnomAD no frequency). This variant has not been reported in the literature in individuals affected with PIGO-related conditions. ClinVar contains an entry for this variant (Variation ID: 998585). Algorithms developed to predict the effect of missense changes on protein structure and function (SIFT, PolyPhen-2, Align-GVGD) all suggest that this variant is likely to be disruptive. In summary, the available evidence is currently insufficient to determine the role of this variant in disease. Therefore, it has been classified as a Variant of Uncertain Significance.

NM_032634.4(PIGO):c.1127G>T (p.Arg376Leu)

Gene: PIGO (phosphatidylinositol glycan anchor biosynthesis class O; minus strand). Cytogenetic location: 9p13.3.
Variant type: single nucleotide variant.
Coding change: c.1127G>T on transcript NM_032634.4 (MANE Select); coding-DNA position 1127, G replaced by T.
Protein change: p.Arg376Leu; replaces arginine 376 with leucine.
Molecular consequence: missense variant.
Genome position (GRCh38, 1-based): chr9:35,092,760, C>A on the plus strand (G>T on the coding strand, the complement: PIGO is on the minus strand). VCF-style: chr9-35092760-C-A. GRCh37 (hg19) VCF-style: chr9-35092757-C-A.
Other names: c.1127G>T, p.Arg376Leu (NM_001201484.2, NM_152850.4); short protein forms R376L.
Identifiers: ClinVar variation 998585 (VCV000998585.8), dbSNP rs768552303, ClinGen allele CA373322752.